The following is an entry in ClinVar:

ClinVar aggregate classification (germline): Uncertain significance (1 of 4 stars; one submission).

Allele frequency attached by ClinVar (database versions not stated): gnomAD 0.00003; gnomAD exomes 0.00003 and 0.00005; TOPMed 0.00005; ExAC 0.00007.
gnomAD v4.1: 46 of 1,610,478 alleles (0.0029%); highest among the groups gnomAD compares: Admixed American, 0.0067%; no homozygotes.

Submission:

Labcorp Genetics (formerly Invitae), Labcorp
Classification: Uncertain significance. Last evaluated: 2025-03-03. Review status: criteria provided, single submitter. Criteria: Invitae Variant Classification Sherloc (09022015). Collection method: clinical testing. Allele origin: germline.
Comment: This sequence change replaces alanine, which is neutral and non-polar, with valine, which is neutral and non-polar, at codon 498 of the TBCD protein (p.Ala498Val). This variant is present in population databases (rs574660684, gnomAD 0.01%). This variant has not been reported in the literature in individuals affected with TBCD-related conditions. ClinVar contains an entry for this variant (Variation ID: 1346100). Invitae Evidence Modeling of protein sequence and biophysical properties (such as structural, functional, and spatial information, amino acid conservation, physicochemical variation, residue mobility, and thermodynamic stability) has been performed for this missense variant. However, the output from this modeling did not meet the statistical confidence thresholds required to predict the impact of this variant on TBCD protein function. In summary, the available evidence is currently insufficient to determine the role of this variant in disease. Therefore, it has been classified as a Variant of Uncertain Significance.

NM_005993.5(TBCD):c.1493C>T (p.Ala498Val)

Gene: TBCD (tubulin folding cofactor D). Cytogenetic location: 17q25.3.
Variant type: single nucleotide variant.
Coding change: c.1493C>T on transcript NM_005993.5 (MANE Select); coding-DNA position 1493, C replaced by T.
Protein change: p.Ala498Val; replaces alanine 498 with valine.
Molecular consequence: missense variant.
Genome position (GRCh38, 1-based): chr17:82,884,162, C>T. VCF-style: chr17-82884162-C-T. GRCh37 (hg19) VCF-style: chr17-80842038-C-T.
Other names: short protein forms A498V.
Identifiers: ClinVar variation 1346100 (VCV001346100.6), dbSNP rs574660684, ClinGen allele CA8862601.
Genomic context (GRCh38, chr17:82,884,162, plus strand): 5'-TTTGCAGAATTTCTTTTTAATTAATCCTTTCTCTTTTTCACAGTGCACTGGTGATTGCTG[C>T]GGTGTTTGACCGAGACATAAACTGCAGAAGAGCAGCCTCTGTAAGTTTTCTCATTTTGAT-3'
Protein context (NP_005984.3, residues 488-508): TAISSALVIA[Ala498Val]VFDRDINCRR